The following is an entry in ClinVar:

NM_021072.4(HCN1):c.1678C>G (p.Arg560Gly)

Gene: HCN1 (hyperpolarization activated cyclic nucleotide gated potassium channel 1; minus strand). Cytogenetic location: 5p12.
Variant type: single nucleotide variant.
Coding change: c.1678C>G on transcript NM_021072.4 (MANE Select); coding-DNA position 1678, C replaced by G.
Protein change: p.Arg560Gly; replaces arginine 560 with glycine.
Molecular consequence: missense variant.
Genome position (GRCh38, 1-based): chr5:45,267,194, G>C on the plus strand (C>G on the coding strand, the complement: HCN1 is on the minus strand). VCF-style: chr5-45267194-G-C. GRCh37 (hg19) VCF-style: chr5-45267296-G-C.
Other names: short protein forms R560G.
Identifiers: ClinVar variation 986134 (VCV000986134.3), dbSNP rs1744875571, ClinGen allele CA359705891.

ClinVar aggregate classification (germline): Uncertain significance (1 of 4 stars; one submission).

Conditions:
Inborn genetic diseases. Identifiers: MedGen C0950123, MeSH D030342.

Submission:

Ambry Genetics
Classification: Uncertain significance for Inborn genetic diseases. Last evaluated: 2017-12-18. Review status: criteria provided, single submitter. Criteria: Ambry Variant Classification Scheme 2023. Collection method: clinical testing. Allele origin: germline.
Comment: The p.R560G variant (also known as c.1678C>G), located in coding exon 7 of the HCN1 gene, results from a C to G substitution at nucleotide position 1678. The arginine at codon 560 is replaced by glycine, an amino acid with dissimilar properties. This amino acid position is highly conserved in available vertebrate species. In addition, this alteration is predicted to be deleterious by in silico analysis. Since supporting evidence is limited at this time, the clinical significance of this alteration remains unclear.